The following is an entry in ClinVar:

ClinVar aggregate classification (germline): Pathogenic (0 of 4 stars; one submission).

Conditions:
Amyloidosis, hereditary systemic 1 (AMYLD1). Also called: Hereditary oculoleptomeningeal amyloid angiopathy; Familial Transthyretin Amyloidosis; AMYLOID CARDIOMYOPATHY; Familial amyloid polyneuropathy; Transthyretin Amyloidosis; Isolated Cardiac Amyloidosis. Identifiers: Orphanet 85447, Orphanet 85451, MedGen C2751492, MONDO:0971004, OMIM 105210.

Submission:

Amyloidosis Center, Boston University School of Medicine
Classification: Pathogenic for Amyloidosis, hereditary systemic 1. Last evaluated: 2018-03-16. Review status: no assertion criteria provided. Collection method: clinical testing. Allele origin: inherited. Inheritance: Autosomal dominant inheritance. Affected: yes. Observed: 3 variant alleles, 3 heterozygotes. Clinical features observed: Sensorimotor neuropathy (HP:0007141), Abnormal autonomic nervous system physiology (HP:0002459), Myofibrillar myopathy (HP:0003715).
Comment: Deposits of variant TTR were detected in the right shin skin using tandem mass spectrometry. Diflunisal treatment was stopped due to lack of efficacy.

Literature cited by the submitters: PubMed 29941560.

NM_000371.4(TTR):c.212_217dup (p.Glu71_Ser72dup)

Gene: TTR (transthyretin; plus strand). Cytogenetic location: 18q12.1.
Variant type: Duplication.
Coding change: c.212_217dup on transcript NM_000371.4 (MANE Select); coding-DNA positions 212 to 217, 6 bases duplicated (AGTCTG; older notation c.212_217dupAGTCTG).
Protein change: p.Glu71_Ser72dup.
Molecular consequence: inframe insertion.
Genome position (GRCh38, 1-based): chr18:31,595,131-31,595,136, AGTCTG duplicated; duplicating any 6 consecutive bases within chr18:31,595,129-31,595,136 gives the same sequence; the c. name uses the placement nearest the transcript's 3' end. VCF-style (leftmost placement, unchanged base first): chr18-31595128-G-GTGAGTC. GRCh37 (hg19) VCF-style: chr18-29175091-G-GTGAGTC.
Other names: c.212_217dupAGTCTG (NM_000371.3).
Identifiers: ClinVar variation 545518 (VCV000545518.3), dbSNP rs1555631390, ClinGen allele CA658824874.